The following is an entry in ClinVar:

ClinVar aggregate classification (germline): Pathogenic (1 of 4 stars; one submission).

Submission:

GeneDx
Classification: Pathogenic. Last evaluated: 2022-03-03. Review status: criteria provided, single submitter. Criteria: GeneDx Variant Classification Process June 2021. Collection method: clinical testing. Allele origin: germline. Affected: yes.
Comment: Frameshift variant predicted to result in protein truncation or nonsense mediated decay in a gene for which loss-of-function is a known mechanism of disease; Not observed at significant frequency in large population cohorts (gnomAD); This variant is associated with the following publications: (PMID: 32725632)

NM_001008537.3(NEXMIF):c.1713_1716del (p.Ser571fs)

Gene: NEXMIF (neurite extension and migration factor; minus strand). Cytogenetic location: Xq13.3.
Variant type: Microsatellite.
Coding change: c.1713_1716del on transcript NM_001008537.3 (MANE Select); coding-DNA positions 1713 to 1716, 4 bases deleted (TGAG; older notation c.1713_1716delTGAG).
Protein change: p.Ser571fs; shifts the reading frame from serine 571.
Molecular consequence: frameshift variant.
Genome position (GRCh38, 1-based): chrX:74,742,841-74,742,844, CTCA deleted on the plus strand (TGAG on the coding strand, the reverse complement: NEXMIF is on the minus strand); deleting any 4 consecutive bases within chrX:74,742,841-74,742,848 gives the same sequence; the c. name uses the placement nearest the transcript's 3' end. VCF-style (leftmost placement, unchanged base first): chrX-74742840-TCTCA-T. GRCh37 (hg19) VCF-style: chrX-73962675-TCTCA-T.
Other names: short protein forms S571fs.
Identifiers: ClinVar variation 1703955 (VCV001703955.2), dbSNP rs2519915040, ClinGen allele CA2580612365.